The following is an entry in ClinVar:

NM_007294.4(BRCA1):c.5389T>A (p.Ser1797Thr)

Gene: BRCA1 (BRCA1 DNA repair associated; minus strand). Cytogenetic location: 17q21.31.
Variant type: single nucleotide variant.
Coding change: c.5389T>A on transcript NM_007294.4 (MANE Select); coding-DNA position 5389, T replaced by A.
Protein change: p.Ser1797Thr; replaces serine 1797 with threonine.
Molecular consequence: missense variant. On other transcripts: non-coding transcript variant (1), intron variant (1).
Genome position (GRCh38, 1-based): chr17:43,049,138, A>T on the plus strand (T>A on the coding strand, the complement: BRCA1 is on the minus strand). VCF-style: chr17-43049138-A-T. GRCh37 (hg19) VCF-style: chr17-41201155-A-T.
Other names: c.1954T>A, p.Ser652Thr (NM_001408436.1, NM_001408437.1, NM_001408438.1 and 10 more transcripts); c.1951T>A, p.Ser651Thr (NM_001408445.1, NM_001408446.1, NM_001408447.1 and 2 more transcripts); c.5266T>A, p.Ser1756Thr (NM_001407665.1, NM_001407666.1, NM_001407667.1 and 3 more transcripts); c.5263T>A, p.Ser1755Thr (NM_001407670.1, NM_001407671.1, NM_001407672.1 and 8 more transcripts); c.5260T>A, p.Ser1754Thr (NM_001407681.1, NM_001407682.1, NM_001407683.1 and 5 more transcripts); c.5257T>A, p.Ser1753Thr (NM_001407690.1, NM_001407691.1); c.5248T>A, p.Ser1750Thr (NM_001407727.1, NM_001407728.1, NM_001407729.1 and 12 more transcripts); c.5245T>A, p.Ser1749Thr (NM_001407732.1, NM_001407733.1, NM_001407734.1 and 18 more transcripts); and 73 more; short protein forms S693T, S1750T, S1818T, S1797T, S1501T, S1628T, S1643T, S1748T.
Identifiers: ClinVar variation 865410 (VCV000865410.3), dbSNP rs2051077510, ClinGen allele CA10590698.

Conditions:
Breast-ovarian cancer, familial, susceptibility to, 1 (BROVCA1). Also called: BRCA1 Hereditary Breast and Ovarian Cancer; OVARIAN CANCER, SUSCEPTIBILITY TO. Identifiers: Orphanet 145, MedGen C2676676, MONDO:0011450, OMIM 604370. Disease mechanism: loss of function.

Submission:

Brotman Baty Institute, University of Washington
No classification provided (evidence only). Condition: Breast-ovarian cancer, familial 1. Review status: no classification provided. Collection method: in vitro. Allele origin: not applicable. Functional consequence: functionally_normal.
ClinVar note: "not provided" was previously submitted as the classification for the variant. However, the classification appeared to be based only on an observation of functional data so it was converted to no classification on 2025-07-30.